The following is an entry in ClinVar:

ClinVar aggregate classification (germline): Uncertain significance. Review status: criteria provided, multiple submitters, no conflicts (2 of 4 stars). 2 submissions from 2 submitters: Uncertain significance (2). Last evaluated 2026-02-01.

Conditions:
Charcot-Marie-Tooth disease type 4. Also called: Charcot-Marie-Tooth disease, type IV; Charcot-Marie-Tooth, Type 4. Identifiers: Orphanet 64749, MedGen C4082197, MONDO:0018995.

Allele frequency attached by ClinVar (database versions not stated): gnomAD exomes below 0.00001 and 0.00002; ExAC 0.00001; TOPMed 0.00001.
gnomAD v4.1: 5 of 1,614,142 alleles (0.00031%); highest among the groups gnomAD compares: Non-Finnish European, 0.00034%; no homozygotes.

Submissions (2):

CeGaT Center for Human Genetics Tuebingen
Classification: Uncertain significance. Last evaluated: 2026-02-01. Review status: criteria provided, single submitter. Criteria: CeGaT Center For Human Genetics Tuebingen Variant Classification Criteria Version 2. Collection method: clinical testing. Allele origin: germline. Affected: yes. Observed: 1 variant allele.
Comment: SH3TC2: PM2, BP4

Labcorp Genetics (formerly Invitae), Labcorp
Classification: Uncertain significance for Charcot-Marie-Tooth disease type 4. Last evaluated: 2021-11-24. Review status: criteria provided, single submitter. Criteria: Invitae Variant Classification Sherloc (09022015). Collection method: clinical testing. Allele origin: germline.
Comment: This sequence change replaces isoleucine, which is neutral and non-polar, with valine, which is neutral and non-polar, at codon 298 of the SH3TC2 protein (p.Ile298Val). This variant is present in population databases (rs746615255, gnomAD 0.004%). This variant has not been reported in the literature in individuals affected with SH3TC2-related conditions. Advanced modeling of protein sequence and biophysical properties (such as structural, functional, and spatial information, amino acid conservation, physicochemical variation, residue mobility, and thermodynamic stability) performed at Invitae indicates that this missense variant is not expected to disrupt SH3TC2 protein function. In summary, the available evidence is currently insufficient to determine the role of this variant in disease. Therefore, it has been classified as a Variant of Uncertain Significance.

NM_024577.4(SH3TC2):c.892A>G (p.Ile298Val)

Gene: SH3TC2 (SH3 domain and tetratricopeptide repeats 2; minus strand). Cytogenetic location: 5q32.
Variant type: single nucleotide variant.
Coding change: c.892A>G on transcript NM_024577.4 (MANE Select); coding-DNA position 892, A replaced by G.
Protein change: p.Ile298Val; replaces isoleucine 298 with valine.
Molecular consequence: missense variant.
Genome position (GRCh38, 1-based): chr5:149,038,404, T>C on the plus strand (A>G on the coding strand, the complement: SH3TC2 is on the minus strand). VCF-style: chr5-149038404-T-C. GRCh37 (hg19) VCF-style: chr5-148417967-T-C.
Other names: short protein forms I298V.
Identifiers: ClinVar variation 1410627 (VCV001410627.7), dbSNP rs746615255, ClinGen allele CA3499354.
Genomic context (GRCh38, chr5:149,038,404, plus strand): 5'-CTTGTCCTGAACTTGTCGACTTTCCAATGAACCACTGAAGCCCAGGTATGACAAAGCCGA[T>C]GATCTCAATGCTTTCTCCCTGGTAGAAATTCAGTTCATCCTTTTCTCCTGGCTCATAACC-3'
Protein context (NP_078853.2, residues 288-308): NFYQGESIEI[Ile298Val]GFVIPGLQWF